The following is an entry in ClinVar:

ClinVar aggregate classification (germline): Benign/Likely benign. Review status: criteria provided, multiple submitters, no conflicts (2 of 4 stars). 3 submissions from 3 submitters: Benign (1); Likely benign (2). Last evaluated 2025-06-15.

Conditions:
Hereditary diffuse gastric adenocarcinoma (HDGC). Also called: DIFFUSE GASTRIC AND LOBULAR BREAST CANCER SYNDROME. Identifiers: Orphanet 26106, MedGen C1708349, MONDO:0007648, OMIM 137215.
Hereditary cancer-predisposing syndrome. Also called: Tumor predisposition; Neoplastic Syndromes, Hereditary; Hereditary Cancer Syndrome; Hereditary neoplastic syndrome. Identifiers: Orphanet 140162, MedGen C0027672, MeSH D009386, MONDO:0015356.

Allele frequency attached by ClinVar (database versions not stated): gnomAD exomes below 0.00001; gnomAD 0.00001.
gnomAD v4.1: 4 of 1,614,090 alleles (0.00025%); highest among the groups gnomAD compares: East Asian, 0.0089%; no homozygotes.

Submissions (3):

Labcorp Genetics (formerly Invitae), Labcorp
Classification: Likely benign. Last evaluated: 2025-06-15. Review status: criteria provided, single submitter. Criteria: Invitae Variant Classification Sherloc (09022015). Collection method: clinical testing. Allele origin: germline.

Myriad Genetics, Inc.
Classification: Benign for Hereditary diffuse gastric adenocarcinoma. Last evaluated: 2024-10-10. Review status: criteria provided, single submitter. Criteria: Myriad Autosomal Dominant, Autosomal Recessive and X-Linked Classification Criteria (2023). Collection method: clinical testing. Allele origin: unknown.
Comment: This variant is considered benign. This variant is a silent/synonymous amino acid change and it is not expected to impact splicing.

Ambry Genetics
Classification: Likely benign for Hereditary cancer-predisposing syndrome. Last evaluated: 2020-09-15. Review status: criteria provided, single submitter. Criteria: Ambry Variant Classification Scheme 2023. Collection method: clinical testing. Allele origin: germline.

NM_001903.5(CTNNA1):c.996A>G (p.Arg332=)

Gene: CTNNA1 (catenin alpha 1; plus strand). Cytogenetic location: 5q31.2.
Variant type: single nucleotide variant.
Coding change: c.996A>G on transcript NM_001903.5 (MANE Select); coding-DNA position 996, A replaced by G.
Protein change: p.Arg332=; no amino-acid change (arginine 332 retained).
Molecular consequence: synonymous variant.
Genome position (GRCh38, 1-based): chr5:138,827,652, A>G. VCF-style: chr5-138827652-A-G. GRCh37 (hg19) VCF-style: chr5-138163341-A-G.
Other names: c.996A>G, p.Arg332= (NM_001290307.3, NM_001323982.2, NM_001323983.1 and 3 more transcripts); c.687A>G, p.Arg229= (NM_001290309.3); c.627A>G, p.Arg209= (NM_001290310.3).
Identifiers: ClinVar variation 1095353 (VCV001095353.12), dbSNP rs1272529811, ClinGen allele CA446595495.
Genomic context (GRCh38, chr5:138,827,652, plus strand): 5'-CATTAGTGGGGCTGCCTTGATGGCCGACTCGTCCTGCACGCGTGATGACCGTCGTGAGCG[A>G]ATTGTGGCAGAGTGTAATGCTGTCCGCCAGGCCCTGCAGGACCTGCTTTCGGAGTACATG-3'
Protein context (NP_001894.2, residues 322-342): SSCTRDDRRE[Arg332=]IVAECNAVRQ